The following is an entry in ClinVar:

NM_001005373.4(LRSAM1):c.2140G>A (p.Ala714Thr)

Gene: LRSAM1 (leucine rich repeat and sterile alpha motif containing 1; plus strand). Cytogenetic location: 9q34.11.
Variant type: single nucleotide variant.
Coding change: c.2140G>A on transcript NM_001005373.4 (MANE Select); coding-DNA position 2140, G replaced by A.
Protein change: p.Ala714Thr; replaces alanine 714 with threonine.
Molecular consequence: missense variant. On other transcripts: non-coding transcript variant (2).
Genome position (GRCh38, 1-based): chr9:127,502,867, G>A. VCF-style: chr9-127502867-G-A. GRCh37 (hg19) VCF-style: chr9-130265146-G-A.
Other names: c.2140G>A, p.Ala714Thr (NM_001005374.4, NM_001384142.1, NM_138361.5); c.2059G>A, p.Ala687Thr (NM_001190723.3); c.2041G>A, p.Ala681Thr (NM_001384143.1); c.1351G>A, p.Ala451Thr (NM_001384144.1); short protein forms A714T, A687T, A451T, A681T.
Identifiers: ClinVar variation 696450 (VCV000696450.10), dbSNP rs527668507, ClinGen allele CA5247271.

ClinVar aggregate classification (germline): Likely benign. Review status: criteria provided, multiple submitters, no conflicts (2 of 4 stars). 2 submissions from 2 submitters: Likely benign (2). Last evaluated 2025-07-20.

Conditions:
LRSAM1-related disorder. Also called: LRSAM1-related condition.
Charcot-Marie-Tooth disease axonal type 2P. Also called: Charcot-Marie-Tooth Neuropathy Type 2G; CHARCOT-MARIE-TOOTH NEUROPATHY, TYPE 2P; CHARCOT-MARIE-TOOTH DISEASE, AXONAL, TYPE 2G; CMT 2G. Identifiers: Orphanet 300319, Orphanet 99941, MedGen C3280797, MONDO:0013753, OMIM 614436.

Allele frequency attached by ClinVar (database versions not stated): gnomAD 0.00001 and 0.00005; TOPMed 0.00002; gnomAD exomes 0.00011 and 0.00024; 1000 Genomes Project 30x 0.00016; 1000 Genomes Project 0.00020; ExAC 0.00038.
gnomAD v4.1: 163 of 1,609,322 alleles (0.01%); highest among the groups gnomAD compares: South Asian, 0.15%; no homozygotes.

Submissions (2):

Labcorp Genetics (formerly Invitae), Labcorp
Classification: Likely benign for Charcot-Marie-Tooth disease axonal type 2P. Last evaluated: 2025-07-20. Review status: criteria provided, single submitter. Criteria: Invitae Variant Classification Sherloc (09022015). Collection method: clinical testing. Allele origin: germline.

PreventionGenetics, part of Exact Sciences
Classification: Likely benign for LRSAM1-related condition. Last evaluated: 2025-02-19. Review status: criteria provided, single submitter. Criteria: ACMG Guidelines, 2015. Collection method: clinical testing. Allele origin: germline.
Comment: This variant is classified as likely benign based on ACMG/AMP sequence variant interpretation guidelines (Richards et al. 2015 PMID: 25741868, with internal and published modifications).